The following is an entry in ClinVar:

ClinVar aggregate classification (germline): Pathogenic (1 of 4 stars; one submission).

Conditions:
Autosomal recessive limb-girdle muscular dystrophy type 2C (LGMDR5). Also called: MUSCULAR DYSTROPHY, DUCHENNE-LIKE; MUSCULAR DYSTROPHY, LIMB-GIRDLE, AUTOSOMAL RECESSIVE 5. Identifiers: Orphanet 353, MedGen C0410173, MONDO:0009677, OMIM 253700. Disease mechanism: Affects gamma-sarcoglycan and also disrupts the integrity of the entire sarcoglycan complex..

Submission:

Broad Center for Mendelian Genomics, Broad Institute of MIT and Harvard
Classification: Pathogenic for Autosomal recessive limb-girdle muscular dystrophy type 2C. Last evaluated: 2023-08-24. Review status: criteria provided, single submitter. Criteria: ACMG/ClinGen CNV Guidelines, 2019. Collection method: research. Allele origin: unknown. Inheritance: Autosomal recessive inheritance. Affected: yes.
Comment: A homozygous deletion of exon 7 in SGCG (NM_000231.3) was identified by exome sequencing in one individual with limb-girdle muscular dystrophy ([GRCh 38] chr13:23320540_23320858x0)(PMID: 32528171). These breakpoints have been estimated by exome sequencing only and therefore may not reflect the true breakpoints. Inheritance information is unavailable. The patient phenotype is nonspecific, but is consistent with cases described in the literature and/or published databases with overlapping variants. This exon deletion has also been reported in the literature in at least 1 individual, in the homozygous state, with limb-girdle muscular dystrophy (PMID: 18285821). This intragenic variant is predicted to cause a frameshift, which alters the protein’s amino acid sequence beginning at exon 7 and leads to a premature termination codon. This alteration is then predicted to lead to a truncated or absent protein. Loss of function of SGCG is an established disease mechanism in autosomal recessive limb-girdle muscular dystrophy. In summary, this variant meets criteria to be classified as pathogenic for autosomal recessive limb-girdle muscular dystrophy. The ACMG/ClinGen evidence codes and points used in this curation are as follows: 1: 0 points, 2: 0.90 points, 3: 0 points, 4-5: 0.30 points; Total: 1.20 points; Riggs 2020 (PMID: 31690835).

Literature cited by the submitters: PubMed 32528171; PubMed 18285821.

GRCh38/hg38 13q12.12(chr13:23320540-23320858)x0

Gene: SGCG (sarcoglycan gamma; plus strand). Cytogenetic location: 13q12.12.
Variant type: copy number loss.
Change: copy number 0 (both copies lost) of chr13:23,320,540-23,320,858 (0.3 kb, GRCh38 coordinates, 1-based), cytogenetic band 13q12.12.
Identifiers: ClinVar variation 2579222 (VCV002579222.1).